The following is an entry in ClinVar:

ClinVar aggregate classification (germline): Pathogenic (1 of 4 stars; one submission).

Conditions:
Hereditary cancer-predisposing syndrome. Also called: Hereditary Cancer Syndrome; Hereditary neoplastic syndrome; Neoplastic Syndromes, Hereditary; Tumor predisposition. Identifiers: Orphanet 140162, MedGen C0027672, MeSH D009386, MONDO:0015356.

Submission:

Ambry Genetics
Classification: Pathogenic for Hereditary cancer-predisposing syndrome. Last evaluated: 2022-10-12. Review status: criteria provided, single submitter. Criteria: Ambry Variant Classification Scheme 2023. Collection method: clinical testing. Allele origin: germline.
Comment: The c.1380_1383delAGAG pathogenic mutation, located in coding exon 9 of the MEN1 gene, results from a deletion of 4 nucleotides at nucleotide positions 1380 to 1383, causing a translational frameshift with a predicted alternate stop codon (p.E461Pfs*97). This alteration occurs at the 3' terminus of theMEN1 gene, is not expected to trigger nonsense-mediated mRNA decay, and impacts the last 150 amino acids of the protein. However, premature stop codons are typically deleterious in nature and the impacted region is critical for protein function and a significant portion of the protein is affected (Ambry internal data). This alteration has been observed in at least one individual with features consistent with MEN1-related disease (Ambry internal data). This variant is considered to be rare based on population cohorts in the Genome Aggregation Database (gnomAD). Based on the supporting evidence, this alteration is interpreted as a disease-causing mutation.

NM_001370259.2(MEN1):c.1380_1383del (p.Glu461fs)

Gene: MEN1 (menin 1; minus strand). Cytogenetic location: 11q13.1.
Variant type: Deletion.
Coding change: c.1380_1383del on transcript NM_001370259.2 (MANE Select); coding-DNA positions 1380 to 1383, 4 bases deleted (AGAG; older notation c.1380_1383delAGAG).
Protein change: p.Glu461fs; shifts the reading frame from glutamic acid 461.
Molecular consequence: frameshift variant.
Genome position (GRCh38, 1-based): chr11:64,804,784-64,804,787, CTCT deleted on the plus strand (AGAG on the coding strand, the reverse complement: MEN1 is on the minus strand); deleting any 4 consecutive bases within chr11:64,804,784-64,804,788 gives the same sequence; the c. name uses the placement nearest the transcript's 3' end. VCF-style (leftmost placement, unchanged base first): chr11-64804783-CCTCT-C. GRCh37 (hg19) VCF-style: chr11-64572255-CCTCT-C.
Other names: c.1395_1398del, p.Glu466fs (NM_000244.4, NM_130800.3, NM_130801.3 and 3 more transcripts); c.1506_1509del, p.Glu503fs (NM_001370251.2); c.1380_1383del, p.Glu461fs (NM_001370260.2, NM_001370261.2, NM_130799.3); c.1275_1278del, p.Glu426fs (NM_001370262.2, NM_001370263.2); c.1505_1508delGAGA, p.Glu503Profs (NM_001407142.1, NM_001407143.1, NM_001407144.1); c.1394_1397delGAGA, p.Glu466Profs (NM_001407145.1); c.1379_1382delGAGA, p.Glu461Profs (NM_001407146.1, NM_001407147.1); c.1274_1277delGAGA, p.Glu426Profs (NM_001407148.1, NM_001407149.1); and 4 more; short protein forms E503fs, E461fs, E466fs, E426fs.
Identifiers: ClinVar variation 1771268 (VCV001771268.2), dbSNP rs2497130650, ClinGen allele CA2580084435.